The following is an entry in ClinVar:

NM_015450.3(POT1):c.712T>C (p.Phe238Leu)

Gene: POT1 (protection of telomeres 1; minus strand). Cytogenetic location: 7q31.33.
Variant type: single nucleotide variant.
Coding change: c.712T>C on transcript NM_015450.3 (MANE Select); coding-DNA position 712, T replaced by C.
Protein change: p.Phe238Leu; replaces phenylalanine 238 with leucine.
Molecular consequence: missense variant. On other transcripts: non-coding transcript variant (3).
Genome position (GRCh38, 1-based): chr7:124,853,129, A>G on the plus strand (T>C on the coding strand, the complement: POT1 is on the minus strand). VCF-style: chr7-124853129-A-G. GRCh37 (hg19) VCF-style: chr7-124493183-A-G.
Other names: c.319T>C, p.Phe107Leu (NM_001042594.2); short protein forms F107L, F238L.
Identifiers: ClinVar variation 1002466 (VCV001002466.10), dbSNP rs1795355725, ClinGen allele CA369055749.
Genomic context (GRCh38, chr7:124,853,129, plus strand): 5'-TTGTCTGATTCTCTGAATTCATTGATTGAAGTTTGGTATGAAGGCTATAGATTCTAAGAA[A>G]GCTTCCAACCTAAAAAATAGATCATTTGTTATTTAGAAAGTGGGGAAAAATTAAAATACT-3'
Protein context (NP_056265.2, residues 228-248): HVARSLKVGS[Phe238Leu]LRIYSLHTKL

ClinVar aggregate classification (germline): Uncertain significance (1 of 4 stars; one submission).

Conditions:
Tumor predisposition syndrome 3 (TPDS3). Also called: Glioma susceptibility 9; LONG TELOMERE SYNDROME, POT1-RELATED; POT1 Tumor Predisposition; Melanoma, cutaneous malignant, susceptibility to, 10. Identifiers: Orphanet 618, MedGen C4014476, MONDO:0014368, OMIM 615848.

Submission:

Labcorp Genetics (formerly Invitae), Labcorp
Classification: Uncertain significance for Tumor predisposition syndrome 3. Last evaluated: 2024-06-24. Review status: criteria provided, single submitter. Criteria: Invitae Variant Classification Sherloc (09022015). Collection method: clinical testing. Allele origin: germline.
Comment: This sequence change replaces phenylalanine, which is neutral and non-polar, with leucine, which is neutral and non-polar, at codon 238 of the POT1 protein (p.Phe238Leu). This variant is not present in population databases (gnomAD no frequency). This variant has not been reported in the literature in individuals affected with POT1-related conditions. ClinVar contains an entry for this variant (Variation ID: 1002466). Advanced modeling of protein sequence and biophysical properties (such as structural, functional, and spatial information, amino acid conservation, physicochemical variation, residue mobility, and thermodynamic stability) performed at Invitae indicates that this missense variant is not expected to disrupt POT1 protein function with a negative predictive value of 80%. In summary, the available evidence is currently insufficient to determine the role of this variant in disease. Therefore, it has been classified as a Variant of Uncertain Significance.